The following is an entry in ClinVar:

NM_004304.5(ALK):c.4255G>A (p.Glu1419Lys)

Gene: ALK (ALK receptor tyrosine kinase; minus strand). Cytogenetic location: 2p23.2.
Variant type: single nucleotide variant.
Coding change: c.4255G>A on transcript NM_004304.5 (MANE Select); coding-DNA position 4255, G replaced by A.
Protein change: p.Glu1419Lys; replaces glutamic acid 1419 with lysine.
Molecular consequence: missense variant.
Genome position (GRCh38, 1-based): chr2:29,193,832, C>T on the plus strand (G>A on the coding strand, the complement: ALK is on the minus strand). VCF-style: chr2-29193832-C-T. GRCh37 (hg19) VCF-style: chr2-29416698-C-T.
Other names: c.1051G>A, p.Glu351Lys (NM_001353765.2); short protein forms E1419K, E351K.
Identifiers: ClinVar variation 133479 (VCV000133479.27), dbSNP rs56181542, ClinGen allele CA156653.
Genomic context (GRCh38, chr2:29,193,832, plus strand): 5'-CTGGGCTGCGCTCCTCCTCCCGTTTTGCCTGTTGAGAGACCAGGAGAGGAGGAACCCCCT[C>T]AGGGTCCTTGGGCCTCACAGGCACTTTCTCTTCCTCTTCCACAAGTGGACCATATTCTAT-3'
Protein context (NP_004295.2, residues 1409-1429): EKVPVRPKDP[Glu1419Lys]GVPPLLVSQQ

ClinVar aggregate classification (germline): Benign/Likely benign. Review status: criteria provided, multiple submitters, no conflicts (2 of 4 stars). 8 submissions from 8 submitters: Benign (2); Likely benign (3). 3 of the submissions do not count toward it. Last evaluated 2026-02-02.

Conditions:
ALK-related disorder. Also called: ALK-related condition.
Hereditary cancer-predisposing syndrome. Also called: Tumor predisposition; Hereditary neoplastic syndrome; Neoplastic Syndromes, Hereditary; Hereditary Cancer Syndrome. Identifiers: Orphanet 140162, MedGen C0027672, MeSH D009386, MONDO:0015356.
Neuroblastoma, susceptibility to, 3. Also called: ALK-Related Neuroblastic Tumor Susceptibility. Identifiers: Orphanet 635, MedGen C2751681, MONDO:0013083, OMIM 613014.

Allele frequency attached by ClinVar (database versions not stated): gnomAD 0.00046 and 0.00049; TOPMed 0.00050; 1000 Genomes Project 0.00060; 1000 Genomes Project 30x 0.00062; ESP Exome Variant Server 0.00115.
gnomAD v4.1: 1,081 of 1,610,874 alleles (0.067%); highest among the groups gnomAD compares: Non-Finnish European, 0.085%; 2 homozygotes.

Submissions (8):

Labcorp Genetics (formerly Invitae), Labcorp
Classification: Likely benign for Neuroblastoma, susceptibility to, 3. Last evaluated: 2026-02-02. Review status: criteria provided, single submitter. Criteria: Invitae Variant Classification Sherloc (09022015). Collection method: clinical testing. Allele origin: germline.

Laboratorio de I+D, Fundación Centro Médico de Asturias
Classification: Benign for Hereditary cancer-predisposing syndrome. Last evaluated: 2025-07-07. Review status: criteria provided, single submitter. Criteria: ACMG Guidelines, 2015. Collection method: clinical testing. Allele origin: germline. Affected: yes.
Comment: BS1+BS2+BP4_Moderate+BP1

Sema4
Classification: Benign for Hereditary cancer-predisposing syndrome. Last evaluated: 2021-12-10. Review status: criteria provided, single submitter. Criteria: Sema4 Curation Guidelines. Collection method: curation. Allele origin: germline.

Ambry Genetics
Classification: Likely benign for Hereditary cancer-predisposing syndrome. Last evaluated: 2018-09-29. Review status: criteria provided, single submitter. Criteria: Ambry Variant Classification Scheme 2023. Collection method: clinical testing. Allele origin: germline.

Illumina Laboratory Services, Illumina
Classification: Likely benign for Neuroblastoma, susceptibility to, 3. Last evaluated: 2018-01-13. Review status: criteria provided, single submitter. Criteria: ICSL Variant Classification Criteria 13 December 2019. Collection method: clinical testing. Allele origin: germline.
Comment: This variant was observed in the ICSL laboratory as part of a predisposition screen in an ostensibly healthy population. It had not been previously curated by ICSL or reported in the Human Gene Mutation Database (HGMD: prior to June 1st, 2018), and was therefore a candidate for classification through an automated scoring system. Utilizing variant allele frequency, disease prevalence and penetrance estimates, and inheritance mode, an automated score was calculated to assess if this variant is too frequent to cause the disease. Based on the score and internal cut-off values, a variant classified as likely benign is not then subjected to further curation. The score for this variant resulted in a classification of likely benign for this disease.

PreventionGenetics, part of Exact Sciences
Classification: Likely benign for ALK-related condition. Last evaluated: 2020-09-29. Review status: no assertion criteria provided. Collection method: clinical testing. Allele origin: germline. Not counted in ClinVar's aggregate classification.
Comment: This variant is classified as likely benign based on ACMG/AMP sequence variant interpretation guidelines (Richards et al. 2015 PMID: 25741868, with internal and published modifications).

ITMI
No classification provided. Condition: AllHighlyPenetrant. Last evaluated: 2013-09-19. Review status: no classification provided. Collection method: reference population. Allele origin: germline. Not counted in ClinVar's aggregate classification.
Comment: Please see associated publication for description of ethnicities

Institute for Clinical Genetics, University Hospital TU Dresden, University Hospital TU Dresden
Classification: Uncertain significance. Last evaluated: 2021-11-03. Review status: flagged submission. Criteria: ACMG Guidelines, 2015. Collection method: clinical testing. Allele origin: germline. Not counted in ClinVar's aggregate classification.
ClinVar note: Reason: Outlier claim with insufficient supporting evidence

Literature cited by the submitters: PubMed 24728327 (cited by ITMI).